The following is an entry in ClinVar:

ClinVar aggregate classification (germline): Uncertain significance (1 of 4 stars; one submission).

Conditions:
Autism spectrum disorder - epilepsy - arthrogryposis syndrome (AMRS). Identifiers: Orphanet 370943, MedGen C3809910, MONDO:0014248, OMIM 615553.

Submission:

Labcorp Genetics (formerly Invitae), Labcorp
Classification: Uncertain significance for Autism spectrum disorder - epilepsy - arthrogryposis syndrome. Last evaluated: 2022-07-12. Review status: criteria provided, single submitter. Criteria: Invitae Variant Classification Sherloc (09022015). Collection method: clinical testing. Allele origin: germline.
Comment: This sequence change falls in intron 5 of the SLC35A3 gene. It does not directly change the encoded amino acid sequence of the SLC35A3 protein. It affects a nucleotide within the consensus splice site. The frequency data for this variant in the population databases is considered unreliable, as metrics indicate poor data quality at this position in the gnomAD database. This variant has not been reported in the literature in individuals affected with SLC35A3-related conditions. ClinVar contains an entry for this variant (Variation ID: 964714). Variants that disrupt the consensus splice site are a relatively common cause of aberrant splicing (PMID: 17576681, 9536098). Algorithms developed to predict the effect of sequence changes on RNA splicing suggest that this variant is not likely to affect RNA splicing. In summary, the available evidence is currently insufficient to determine the role of this variant in disease. Therefore, it has been classified as a Variant of Uncertain Significance.

Literature cited by the submitters: PubMed 17576681; PubMed 9536098.

NM_012243.3(SLC35A3):c.635-3del

Gene: SLC35A3 (solute carrier family 35 member A3; plus strand). Cytogenetic location: 1p21.2.
Variant type: Deletion.
Coding change: c.635-3del on transcript NM_012243.3 (MANE Select); 3 bases into the intron before coding-DNA position 635, one base deleted (T; older notation c.635-3delT).
Molecular consequence: intron variant.
Genome position (GRCh38, 1-based): chr1:100,015,299, T deleted; the last of 8 consecutive T bases (chr1:100,015,292-100,015,299); deleting any one gives the same sequence. VCF-style (leftmost placement, unchanged base first): chr1-100015291-CT-C. GRCh37 (hg19) VCF-style: chr1-100480847-CT-C.
Other names: c.634+3766del (NM_001271684.2); c.761-3del (NM_001271685.2).
Identifiers: ClinVar variation 964714 (VCV000964714.3), dbSNP rs766308423, ClinGen allele CA967641.
Genomic context (GRCh38, chr1:100,015,291, plus strand): 5'-ATGTCAGTGGAAAAAATATATCTCTTCAGACAAACTAAACGATATATCATGTAGACTTTA[CT>C]TTTTTTTAGGTTTCTTTGGAAGTATATTTGGATTAATGGGTGTATACATTTATGATGGAG-3'